The following is an entry in ClinVar:

ClinVar aggregate classification (germline): Benign (1 of 4 stars; one submission).

Allele frequency attached by ClinVar (database versions not stated): 1000 Genomes Project 30x 0.19909; TOPMed 0.20184; 1000 Genomes Project 0.20248; gnomAD 0.20327 and 0.20592.
gnomAD v4.1: 31,451 of 152,084 alleles (21%); highest among the groups gnomAD compares: East Asian, 34%; 3,959 homozygotes.

Submission:

GeneDx
Classification: Benign. Last evaluated: 2018-06-18. Review status: criteria provided, single submitter. Criteria: GeneDx Variant Classification (06012015). Collection method: clinical testing. Allele origin: germline. Affected: yes.
Comment: This variant is considered likely benign or benign based on one or more of the following criteria: it is a conservative change, it occurs at a poorly conserved position in the protein, it is predicted to be benign by multiple in silico algorithms, and/or has population frequency not consistent with disease.

NM_001040142.2(SCN2A):c.2389-280A>G

Gene: SCN2A (sodium voltage-gated channel alpha subunit 2; plus strand). Cytogenetic location: 2q24.3.
Variant type: single nucleotide variant.
Coding change: c.2389-280A>G on transcript NM_001040142.2 (MANE Select); 280 bases into the intron before coding-DNA position 2389, A replaced by G.
Molecular consequence: intron variant.
Genome position (GRCh38, 1-based): chr2:165,342,016, A>G. VCF-style: chr2-165342016-A-G. GRCh37 (hg19) VCF-style: chr2-166198526-A-G.
Other names: c.2389-280A>G (NM_001040143.2, NM_001371246.1, NM_001371247.1 and 1 more transcripts).
Identifiers: ClinVar variation 668831 (VCV000668831.1), dbSNP rs62174667, ClinGen allele CA11201656.
Genomic context (GRCh38, chr2:165,342,016, plus strand): 5'-GCACTGCTAGGTAATCATTTGGTAAGTTTTTGGAGGGCTAGAAAGATCAGAGACAGAGCC[A>G]AACAGTTGATCACAATGAGTCAGTTGCACCTTTCATATGAAAATAATATTAATTTTATTG-3'